The following is an entry in ClinVar:

ClinVar aggregate classification (germline): Likely benign (1 of 4 stars; one submission).

gnomAD v4.1: 15 of 1,600,478 alleles (0.00094%); highest among the groups gnomAD compares: South Asian, 0.0022%; no homozygotes.

Submission:

CeGaT Center for Human Genetics Tuebingen
Classification: Likely benign. Last evaluated: 2025-06-01. Review status: criteria provided, single submitter. Criteria: CeGaT Center For Human Genetics Tuebingen Variant Classification Criteria Version 2. Collection method: clinical testing. Allele origin: germline. Affected: yes. Observed: 1 variant allele.
Comment: WAC: BS2

NM_016628.5(WAC):c.35G>A (p.Ser12Asn)

Gene: WAC (WW domain containing adaptor with coiled-coil; plus strand). Cytogenetic location: 10p12.1.
Variant type: single nucleotide variant.
Coding change: c.35G>A on transcript NM_016628.5 (MANE Select); coding-DNA position 35, G replaced by A.
Protein change: p.Ser12Asn; replaces serine 12 with asparagine.
Molecular consequence: missense variant. On other transcripts: intron variant (1).
Genome position (GRCh38, 1-based): chr10:28,533,614, G>A. VCF-style: chr10-28533614-G-A. GRCh37 (hg19) VCF-style: chr10-28822543-G-A.
Other names: c.35G>A, p.Ser12Asn (NM_100486.4); c.-94-384G>A (NM_100264.3); short protein forms S12N.
Identifiers: ClinVar variation 4084490 (VCV004084490.8).